The following is an entry in ClinVar:

NM_022051.3(EGLN1):c.449C>G (p.Pro150Arg)

Gene: EGLN1 (egl-9 family hypoxia inducible factor 1; minus strand). Cytogenetic location: 1q42.2.
Variant type: single nucleotide variant.
Coding change: c.449C>G on transcript NM_022051.3 (MANE Select); coding-DNA position 449, C replaced by G.
Protein change: p.Pro150Arg; replaces proline 150 with arginine.
Molecular consequence: missense variant.
Genome position (GRCh38, 1-based): chr1:231,421,440, G>C on the plus strand (C>G on the coding strand, the complement: EGLN1 is on the minus strand). VCF-style: chr1-231421440-G-C. GRCh37 (hg19) VCF-style: chr1-231557186-G-C.
Other names: c.449C>G, p.Pro150Arg (NM_001377260.1, NM_001377261.1); short protein forms P150R.
Identifiers: ClinVar variation 4870303 (VCV004870303.1).

ClinVar aggregate classification (germline): Uncertain significance (1 of 4 stars; one submission).

Submission:

Ambry Genetics
Classification: Uncertain significance. Last evaluated: 2026-05-27. Review status: criteria provided, single submitter. Criteria: Ambry Variant Classification Scheme 2023. Collection method: clinical testing. Allele origin: germline.
Comment: The p.P150R variant (also known as c.449C>G), located in coding exon 1 of the EGLN1 gene, results from a C to G substitution at nucleotide position 449. The proline at codon 150 is replaced by arginine, an amino acid with dissimilar properties. This amino acid position is conserved. In addition, this alteration is predicted to be tolerated by in silico analysis. Based on the available evidence, the clinical significance of this variant remains unclear.